The following is an entry in ClinVar:

ClinVar aggregate classification (germline): Uncertain significance. Review status: criteria provided, multiple submitters, no conflicts (2 of 4 stars). 2 submissions from 2 submitters: Uncertain significance (2). Last evaluated 2025-07-07.

Conditions:
Ataxia-telangiectasia-like disorder (ATLD). Identifiers: MedGen C1858391, MONDO:0011457.
Hereditary cancer-predisposing syndrome. Also called: Tumor predisposition; Hereditary Cancer Syndrome; Hereditary neoplastic syndrome; Neoplastic Syndromes, Hereditary. Identifiers: Orphanet 140162, MedGen C0027672, MeSH D009386, MONDO:0015356.

Allele frequency attached by ClinVar (database versions not stated): gnomAD 0.00002; TOPMed 0.00002.
gnomAD v4.1: 3 of 1,612,872 alleles (0.00019%); highest among the groups gnomAD compares: African/African-American, 0.004%; no homozygotes.

Submissions (2):

Ambry Genetics
Classification: Uncertain significance for Hereditary cancer-predisposing syndrome. Last evaluated: 2025-07-07. Review status: criteria provided, single submitter. Criteria: Ambry Variant Classification Scheme 2023. Collection method: clinical testing. Allele origin: germline.
Comment: The p.L286F variant (also known as c.858G>T), located in coding exon 8 of the MRE11A gene, results from a G to T substitution at nucleotide position 858. The leucine at codon 286 is replaced by phenylalanine, an amino acid with highly similar properties. This amino acid position is highly conserved in available vertebrate species. In addition, the in silico prediction for this alteration is inconclusive. Since supporting evidence is limited at this time, the clinical significance of this alteration remains unclear.

Labcorp Genetics (formerly Invitae), Labcorp
Classification: Uncertain significance for Ataxia-telangiectasia-like disorder. Last evaluated: 2021-12-21. Review status: criteria provided, single submitter. Criteria: Invitae Variant Classification Sherloc (09022015). Collection method: clinical testing. Allele origin: germline.
Comment: This sequence change replaces leucine, which is neutral and non-polar, with phenylalanine, which is neutral and non-polar, at codon 286 of the MRE11 protein (p.Leu286Phe). This variant is present in population databases (no rsID available, gnomAD 0.01%). This variant has not been reported in the literature in individuals affected with MRE11-related conditions. ClinVar contains an entry for this variant (Variation ID: 485817). Algorithms developed to predict the effect of missense changes on protein structure and function are either unavailable or do not agree on the potential impact of this missense change (SIFT: "Deleterious"; PolyPhen-2: "Benign"; Align-GVGD: "Class C0"). In summary, the available evidence is currently insufficient to determine the role of this variant in disease. Therefore, it has been classified as a Variant of Uncertain Significance.

NM_005591.4(MRE11):c.858G>T (p.Leu286Phe)

Gene: MRE11 (MRE11 double strand break repair nuclease; minus strand). Cytogenetic location: 11q21.
Variant type: single nucleotide variant.
Coding change: c.858G>T on transcript NM_005591.4 (MANE Select); coding-DNA position 858, G replaced by T.
Protein change: p.Leu286Phe; replaces leucine 286 with phenylalanine.
Molecular consequence: missense variant.
Genome position (GRCh38, 1-based): chr11:94,470,630, C>A on the plus strand (G>T on the coding strand, the complement: MRE11 is on the minus strand). VCF-style: chr11-94470630-C-A. GRCh37 (hg19) VCF-style: chr11-94203796-C-A.
Other names: c.858G>T, p.Leu286Phe (NM_001330347.2, NM_005590.4); short protein forms L286F.
Identifiers: ClinVar variation 485817 (VCV000485817.8), dbSNP rs1264079003, ClinGen allele CA382374848.